The following is an entry in ClinVar:

ClinVar aggregate classification (germline): Uncertain significance (1 of 4 stars; one submission).

gnomAD v4.1: 11 of 1,614,044 alleles (0.00068%); highest among the groups gnomAD compares: Non-Finnish European, 0.00093%; no homozygotes.

Submission:

Ambry Genetics
Classification: Uncertain significance. Last evaluated: 2024-10-02. Review status: criteria provided, single submitter. Criteria: Ambry Variant Classification Scheme 2023. Collection method: clinical testing. Allele origin: germline.
Comment: The p.D234G variant (also known as c.701A>G), located in coding exon 1 of the CDK12 gene, results from an A to G substitution at nucleotide position 701. The aspartic acid at codon 234 is replaced by glycine, an amino acid with similar properties. This amino acid position is conserved. In addition, this alteration is predicted to be tolerated by in silico analysis. Based on the available evidence, the clinical significance of this variant remains unclear.

NM_016507.4(CDK12):c.701A>G (p.Asp234Gly)

Genes: CDK12 (cyclin dependent kinase 12; plus strand), LOC126862553 (CDK7 strongly-dependent group 2 enhancer GRCh37_chr17:37618166-37619365; plus strand). Cytogenetic location: 17q12.
Variant type: single nucleotide variant.
Coding change: c.701A>G on transcript NM_016507.4 (MANE Select); coding-DNA position 701, A replaced by G.
Protein change: p.Asp234Gly; replaces aspartic acid 234 with glycine.
Molecular consequence: missense variant.
Genome position (GRCh38, 1-based): chr17:39,462,772, A>G. VCF-style: chr17-39462772-A-G. GRCh37 (hg19) VCF-style: chr17-37619025-A-G.
Other names: c.701A>G, p.Asp234Gly (NM_015083.4); short protein forms D234G.
Identifiers: ClinVar variation 3489160 (VCV003489160.1).
Genomic context (GRCh38, chr17:39,462,772, plus strand): 5'-ACAGCCCAAAACGGAGATCCAGGAGCCCCCACAGGAAGTGGTCTGACAGCTCCAAACAAG[A>G]TGATAGCCCCTCGGGAGCTTCTTATGGCCAAGATTATGACCTTAGTCCCTCACGATCTCA-3'
Protein context (NP_057591.2, residues 224-244): HRKWSDSSKQ[Asp234Gly]DSPSGASYGQ